The following is an entry in ClinVar:

ClinVar aggregate classification (germline): Uncertain significance (1 of 4 stars; one submission).

Conditions:
Familial thoracic aortic aneurysm and aortic dissection (TAAD). Also called: Thoracic aortic aneurysms and dissections. Identifiers: Orphanet 91387, MedGen C4707243, MONDO:0019625.

Submission:

Ambry Genetics
Classification: Uncertain significance for Familial thoracic aortic aneurysm and aortic dissection. Last evaluated: 2026-02-19. Review status: criteria provided, single submitter. Criteria: Ambry Variant Classification Scheme 2023. Collection method: clinical testing. Allele origin: germline.
Comment: The p.V2601L variant (also known as c.7801G>C), located in coding exon 46 of the FLNA gene, results from a G to C substitution at nucleotide position 7801. The valine at codon 2601 is replaced by leucine, an amino acid with highly similar properties. This amino acid position is conserved. In addition, this alteration is predicted to be tolerated by in silico analysis. Based on the available evidence, the clinical significance of this variant remains unclear.

NM_001110556.2(FLNA):c.7825G>C (p.Val2609Leu)

Genes: FLNA (filamin A; minus strand), LOC107988032 (Xq28 proximal FLNA-EMD recombination region; plus strand). Cytogenetic location: Xq28.
Variant type: single nucleotide variant.
Coding change: c.7825G>C on transcript NM_001110556.2 (MANE Select); coding-DNA position 7825, G replaced by C.
Protein change: p.Val2609Leu; replaces valine 2609 with leucine.
Molecular consequence: missense variant.
Genome position (GRCh38, 1-based): chrX:154,348,968, C>G on the plus strand (G>C on the coding strand, the complement: FLNA is on the minus strand). VCF-style: chrX-154348968-C-G. GRCh37 (hg19) VCF-style: chrX-153577336-C-G.
Other names: c.7801G>C, p.Val2601Leu (NM_001456.4); short protein forms V2601L, V2609L.
Identifiers: ClinVar variation 4845060 (VCV004845060.1).